The following is an entry in ClinVar:

NM_000059.4(BRCA2):c.809C>T (p.Ser270Leu)

Gene: BRCA2 (BRCA2 DNA repair associated; plus strand). Cytogenetic location: 13q13.1.
Variant type: single nucleotide variant.
Coding change: c.809C>T on transcript NM_000059.4 (MANE Select); coding-DNA position 809, C replaced by T.
Protein change: p.Ser270Leu; replaces serine 270 with leucine.
Molecular consequence: missense variant.
Genome position (GRCh38, 1-based): chr13:32,332,287, C>T. VCF-style: chr13-32332287-C-T. GRCh37 (hg19) VCF-style: chr13-32906424-C-T.
Other names: short protein forms S270L.
Identifiers: ClinVar variation 531397 (VCV000531397.16), dbSNP rs276174902, ClinGen allele CA387760390.

ClinVar aggregate classification (germline): Conflicting classifications of pathogenicity. Review status: criteria provided, conflicting classifications (1 of 4 stars). 5 submissions from 5 submitters: Uncertain significance (3); Likely benign (2). Last evaluated 2023-03-23.

Conditions:
Hereditary breast ovarian cancer syndrome. Also called: Hereditary breast and ovarian cancer syndrome (HBOC); BRCA1- and BRCA2-Associated Hereditary Breast and Ovarian Cancer; Hereditary breast and ovarian cancer syndrome; Breast and ovarian cancer; Hereditary breast and ovarian cancer; Hereditary breast and/or ovarian cancer syndrome. Identifiers: Orphanet 145, MedGen C0677776, MeSH D061325, MONDO:0003582. Disease mechanism: loss of function.
Hereditary cancer-predisposing syndrome. Also called: Hereditary neoplastic syndrome; Neoplastic Syndromes, Hereditary; Tumor predisposition; Hereditary Cancer Syndrome. Identifiers: Orphanet 140162, MedGen C0027672, MeSH D009386, MONDO:0015356.

Allele frequency attached by ClinVar (database versions not stated): gnomAD 0.00001.

Submissions (5):

University of Washington Department of Laboratory Medicine, University of Washington
Classification: Likely benign for Hereditary cancer-predisposing syndrome. Last evaluated: 2023-03-23. Review status: criteria provided, single submitter. Criteria: Dines et al. (Genet Med. 2020). Collection method: curation. Allele origin: germline.
Comment: Missense variant in a coldspot region where missense variants are very unlikely to be pathogenic (PMID:31911673).

BRCA2 exon 10 coldspot. Reclassification based on statistical prior probability.

GeneDx
Classification: Uncertain significance. Last evaluated: 2022-12-29. Review status: criteria provided, single submitter. Criteria: GeneDx Variant Classification Process June 2021. Collection method: clinical testing. Allele origin: germline. Affected: yes.
Comment: Not observed at significant frequency in large population cohorts (gnomAD); In silico analysis supports that this missense variant does not alter protein structure/function; Has not been previously published as pathogenic or benign to our knowledge; Also known as 1037C>T; This variant is associated with the following publications: (PMID: 29884841, 32377563)

Ambry Genetics
Classification: Likely benign for Hereditary cancer-predisposing syndrome. Last evaluated: 2021-10-18. Review status: criteria provided, single submitter. Criteria: Ambry Variant Classification Scheme 2023. Collection method: clinical testing. Allele origin: germline.

Color Diagnostics, LLC DBA Color Health
Classification: Uncertain significance for Hereditary cancer-predisposing syndrome. Last evaluated: 2019-06-08. Review status: criteria provided, single submitter. Criteria: ACMG Guidelines, 2015. Collection method: clinical testing. Allele origin: germline.

Labcorp Genetics (formerly Invitae), Labcorp
Classification: Uncertain significance for Hereditary breast ovarian cancer syndrome. Last evaluated: 2017-12-15. Review status: criteria provided, single submitter. Criteria: Invitae Variant Classification Sherloc (09022015). Collection method: clinical testing. Allele origin: germline.
Comment: This sequence change replaces serine with leucine at codon 270 of the BRCA2 protein (p.Ser270Leu). The serine residue is weakly conserved and there is a large physicochemical difference between serine and leucine. In summary, the available evidence is currently insufficient to determine the role of this variant in disease. Therefore, it has been classified as a Variant of Uncertain Significance. Algorithms developed to predict the effect of missense changes on protein structure and function output the following: SIFT: "Tolerated"; PolyPhen-2: "Benign"; Align-GVGD: "Class C0". The leucine amino acid residue is found in multiple mammalian species, suggesting that this missense change does not adversely affect protein function. These predictions have not been confirmed by published functional studies and their clinical significance is uncertain. This variant has not been reported in the literature in individuals with BRCA2-related disease. This variant is not present in population databases (ExAC no frequency).